The following is an entry in ClinVar:

ClinVar aggregate classification (germline): Uncertain significance. Review status: criteria provided, multiple submitters, no conflicts (2 of 4 stars). 5 submissions from 5 submitters: Uncertain significance (5). Last evaluated 2026-07-22.

Conditions:
Cardiovascular phenotype. Identifiers: MedGen CN230736.
Brugada syndrome. Also called: Sudden unexplained nocturnal death syndrome; Sudden Unexplained Death Syndrome; Sudden Unexplained Nocturnal Death Syndrome (SUNDS); Sudden unexpected nocturnal death syndrome. Identifiers: Orphanet 130, MedGen C1142166, MONDO:0015263.
SCN10A-related disorder. Also called: SCN10A-related condition.
Episodic pain syndrome, familial, 2 (FEPS2). Identifiers: Orphanet 306577, MedGen C3809893, MONDO:0014246, OMIM 615551.

Allele frequency attached by ClinVar (database versions not stated): gnomAD exomes 0.00001; TOPMed 0.00001; gnomAD 0.00002.
gnomAD v4.1: 15 of 1,613,870 alleles (0.00093%); highest among the groups gnomAD compares: Non-Finnish European, 0.0012%; no homozygotes.

Submissions (5):

PreventionGenetics, part of Exact Sciences
Classification: Uncertain significance for SCN10A-related condition. Last evaluated: 2026-07-22. Review status: criteria provided, single submitter. Criteria: ACMG Guidelines, 2015. Collection method: clinical testing. Allele origin: germline.
Comment: The SCN10A c.46T>C variant is predicted to result in the amino acid substitution p.Phe16Leu. To our knowledge, this variant has not been reported in the literature. This variant is reported in 0.0065% of alleles in individuals of European (Non-Finnish) descent in gnomAD. At this time, the clinical significance of this variant is uncertain due to the absence of conclusive functional and genetic evidence.

Ambry Genetics
Classification: Uncertain significance for Cardiovascular phenotype. Last evaluated: 2025-02-01. Review status: criteria provided, single submitter. Criteria: Ambry Variant Classification Scheme 2023. Collection method: clinical testing. Allele origin: germline.
Comment: The p.F16L variant (also known as c.46T>C), located in coding exon 1 of the SCN10A gene, results from a T to C substitution at nucleotide position 46. The phenylalanine at codon 16 is replaced by leucine, an amino acid with highly similar properties. This amino acid position is conserved. In addition, the in silico prediction for this alteration is inconclusive. Since supporting evidence is limited at this time, the clinical significance of this alteration remains unclear.

Labcorp Genetics (formerly Invitae), Labcorp
Classification: Uncertain significance for Brugada syndrome. Last evaluated: 2024-10-27. Review status: criteria provided, single submitter. Criteria: Invitae Variant Classification Sherloc (09022015). Collection method: clinical testing. Allele origin: germline.
Comment: This sequence change replaces phenylalanine, which is neutral and non-polar, with leucine, which is neutral and non-polar, at codon 16 of the SCN10A protein (p.Phe16Leu). This variant is present in population databases (no rsID available, gnomAD 0.007%). This variant has not been reported in the literature in individuals affected with SCN10A-related conditions. ClinVar contains an entry for this variant (Variation ID: 1433807). Invitae Evidence Modeling of protein sequence and biophysical properties (such as structural, functional, and spatial information, amino acid conservation, physicochemical variation, residue mobility, and thermodynamic stability) indicates that this missense variant is not expected to disrupt SCN10A protein function with a negative predictive value of 80%. In summary, the available evidence is currently insufficient to determine the role of this variant in disease. Therefore, it has been classified as a Variant of Uncertain Significance.

GeneDx
Classification: Uncertain significance. Last evaluated: 2022-11-09. Review status: criteria provided, single submitter. Criteria: GeneDx Variant Classification Process June 2021. Collection method: clinical testing. Allele origin: germline. Affected: yes.
Comment: Has not been previously published as pathogenic or benign to our knowledge; Not observed at significant frequency in large population cohorts (gnomAD); In silico analysis supports that this missense variant has a deleterious effect on protein structure/function

Fulgent Genetics
Classification: Uncertain significance for Episodic pain syndrome, familial, 2. Last evaluated: 2021-09-22. Review status: criteria provided, single submitter. Criteria: ACMG Guidelines, 2015. Collection method: clinical testing. Allele origin: unknown.

NM_006514.4(SCN10A):c.46T>C (p.Phe16Leu)

Gene: SCN10A (sodium voltage-gated channel alpha subunit 10; minus strand). Cytogenetic location: 3p22.2.
Variant type: single nucleotide variant.
Coding change: c.46T>C on transcript NM_006514.4 (MANE Select); coding-DNA position 46, T replaced by C.
Protein change: p.Phe16Leu; replaces phenylalanine 16 with leucine.
Molecular consequence: missense variant.
Genome position (GRCh38, 1-based): chr3:38,793,965, A>G on the plus strand (T>C on the coding strand, the complement: SCN10A is on the minus strand). VCF-style: chr3-38793965-A-G. GRCh37 (hg19) VCF-style: chr3-38835456-A-G.
Other names: c.46T>C, p.Phe16Leu (NM_001293306.2, NM_001293307.2); c.46T>C (NM_006514.3); short protein forms F16L.
Identifiers: ClinVar variation 1433807 (VCV001433807.11), dbSNP rs1432009058, ClinGen allele CA352163419.